The following is an entry in ClinVar:

NM_004525.3(LRP2):c.4990C>T (p.Arg1664Trp)

Gene: LRP2 (LDL receptor related protein 2; minus strand). Cytogenetic location: 2q31.1.
Variant type: single nucleotide variant.
Coding change: c.4990C>T on transcript NM_004525.3 (MANE Select); coding-DNA position 4990, C replaced by T.
Protein change: p.Arg1664Trp; replaces arginine 1664 with tryptophan.
Molecular consequence: missense variant.
Genome position (GRCh38, 1-based): chr2:169,233,519, G>A on the plus strand (C>T on the coding strand, the complement: LRP2 is on the minus strand). VCF-style: chr2-169233519-G-A. GRCh37 (hg19) VCF-style: chr2-170090029-G-A.
Other names: short protein forms R1664W.
Identifiers: ClinVar variation 1425318 (VCV001425318.5), dbSNP rs141693781, ClinGen allele CA1954652.

ClinVar aggregate classification (germline): Uncertain significance. Review status: criteria provided, multiple submitters, no conflicts (2 of 4 stars). 2 submissions from 2 submitters: Uncertain significance (2). Last evaluated 2024-05-03.

Conditions:
Donnai-Barrow syndrome. Also called: FACIOOCULOACOUSTICORENAL SYNDROME; DBS/FOAR SYNDROME. Identifiers: Orphanet 2143, MedGen C1857277, MONDO:0009104, OMIM 222448.

Allele frequency attached by ClinVar (database versions not stated): gnomAD 0.00001 and 0.00004; TOPMed 0.00001; ExAC 0.00007; ESP Exome Variant Server 0.00008.
gnomAD v4.1: 114 of 1,613,934 alleles (0.0071%); highest among the groups gnomAD compares: South Asian, 0.086%; no homozygotes.

Submissions (2):

Fulgent Genetics
Classification: Uncertain significance for Donnai-Barrow syndrome. Last evaluated: 2024-05-03. Review status: criteria provided, single submitter. Criteria: ACMG Guidelines, 2015. Collection method: clinical testing. Allele origin: germline.

Labcorp Genetics (formerly Invitae), Labcorp
Classification: Uncertain significance. Last evaluated: 2022-09-13. Review status: criteria provided, single submitter. Criteria: Invitae Variant Classification Sherloc (09022015). Collection method: clinical testing. Allele origin: germline.
Comment: This sequence change replaces arginine, which is basic and polar, with tryptophan, which is neutral and slightly polar, at codon 1664 of the LRP2 protein (p.Arg1664Trp). This variant is present in population databases (rs141693781, gnomAD 0.06%). This variant has not been reported in the literature in individuals affected with LRP2-related conditions. ClinVar contains an entry for this variant (Variation ID: 1425318). Advanced modeling of protein sequence and biophysical properties (such as structural, functional, and spatial information, amino acid conservation, physicochemical variation, residue mobility, and thermodynamic stability) performed at Invitae indicates that this missense variant is expected to disrupt LRP2 protein function. In summary, the available evidence is currently insufficient to determine the role of this variant in disease. Therefore, it has been classified as a Variant of Uncertain Significance.